The following is an entry in ClinVar:

NM_005413.4(SIX3):c.721C>T (p.Gln241Ter)

Gene: SIX3 (SIX homeobox 3; plus strand). Cytogenetic location: 2p21.
Variant type: single nucleotide variant.
Coding change: c.721C>T on transcript NM_005413.4 (MANE Select); coding-DNA position 721, C replaced by T.
Protein change: p.Gln241Ter; replaces glutamine 241 with a stop codon.
Molecular consequence: nonsense.
Genome position (GRCh38, 1-based): chr2:44,942,825, C>T. VCF-style: chr2-44942825-C-T. GRCh37 (hg19) VCF-style: chr2-45169964-C-T.
Other names: short protein forms Q241*.
Identifiers: ClinVar variation 4847295 (VCV004847295.1).

ClinVar aggregate classification (germline): Pathogenic (1 of 4 stars; one submission).

Conditions:
SIX3-related disorder. Also called: SIX3-related condition; SIX3-Related Disorders.

Submission:

Women's Health and Genetics/Laboratory Corporation of America, LabCorp
Classification: Pathogenic for SIX3-Related Disorders. Last evaluated: 2026-03-12. Review status: criteria provided, single submitter. Criteria: LabCorp Variant Classification Summary - May 2015. Collection method: clinical testing. Allele origin: germline.
Comment: Variant summary: SIX3 c.721C>T (p.Gln241X) results in a premature termination codon, predicted to cause a truncation of the encoded protein or absence of the protein due to nonsense mediated decay, which are commonly known mechanisms for disease. The variant was absent in 235808 control chromosomes (gnomAD). c.721C>T has been observed in individuals affected with holoprosencephaly (e.g. Domene_2008, Lacbawan_2009, internal data). These data indicate that the variant may be associated with disease. At least one publication reports experimental evidence evaluating an impact on protein function. The most pronounced variant effect results in 10%-<30% of normal activity (Domene_2008). The following publications have been ascertained in the context of this evaluation (PMID: 18791198, 19346217). No submitters have cited clinical-significance assessments for this variant to ClinVar. Based on the evidence outlined above, the variant was classified as pathogenic.

Literature cited by the submitters: PubMed 19346217; PubMed 18791198.